The following is an entry in ClinVar:

NM_001242896.3(DEPDC5):c.2037C>T (p.Gly679=)

Gene: DEPDC5 (DEP domain containing 5, GATOR1 subcomplex subunit; plus strand). Cytogenetic location: 22q12.3.
Variant type: single nucleotide variant.
Coding change: c.2037C>T on transcript NM_001242896.3 (MANE Select); coding-DNA position 2037, C replaced by T.
Protein change: p.Gly679=; no amino-acid change (glycine 679 retained).
Molecular consequence: synonymous variant. On other transcripts: non-coding transcript variant (4), intron variant (3).
Genome position (GRCh38, 1-based): chr22:31,822,723, C>T. VCF-style: chr22-31822723-C-T. GRCh37 (hg19) VCF-style: chr22-32218709-C-T.
Other names: c.2037C>T, p.Gly679= (NM_001136029.4, NM_001363852.2, NM_001364318.2 and 3 more transcripts); c.1953C>T, p.Gly651= (NM_001369901.1, NM_001369902.1); c.1870+3498C>T (NM_001363854.2, NM_001242897.2, NM_001364319.2).
Identifiers: ClinVar variation 1057402 (VCV001057402.9), dbSNP rs2148830009, ClinGen allele CA514265858.
Genomic context (GRCh38, chr22:31,822,723, plus strand): 5'-AGCCAGGTGGCTGGGCTCTGTTCTCTGCAGGCACAGCAATTCCCGCCAGCCTGGTGACGG[C>T]ATGTCCTTCTTGAACTTCAGTGGAACAGAGGAGCTTTCTGTCGGCCTGCTTAGCAACAGT-3'
Protein context (NP_001229825.1, residues 669-689): RHSNSRQPGD[Gly679=]MSFLNFSGTE

ClinVar aggregate classification (germline): Uncertain significance (1 of 4 stars; one submission).

Conditions:
Familial focal epilepsy with variable foci (FPEVF). Identifiers: Orphanet 98820, MedGen C1858477, MONDO:0020310.

Submission:

Labcorp Genetics (formerly Invitae), Labcorp
Classification: Uncertain significance for Familial focal epilepsy with variable foci. Last evaluated: 2020-08-20. Review status: criteria provided, single submitter. Criteria: Invitae Variant Classification Sherloc (09022015). Collection method: clinical testing. Allele origin: germline.
Comment: In summary, the available evidence is currently insufficient to determine the role of this variant in disease. Therefore, it has been classified as a Variant of Uncertain Significance. Algorithms developed to predict the effect of sequence changes on RNA splicing suggest that this variant may create or strengthen a splice site, but this prediction has not been confirmed by published transcriptional studies. This variant has not been reported in the literature in individuals with DEPDC5-related conditions. This variant is not present in population databases (ExAC no frequency). This sequence change affects codon 679 of the DEPDC5 mRNA. It is a 'silent' change, meaning that it does not change the encoded amino acid sequence of the DEPDC5 protein.